The following is an entry in ClinVar:

ClinVar aggregate classification (germline): Likely benign. Review status: criteria provided, multiple submitters, no conflicts (2 of 4 stars). 2 submissions from 2 submitters: Likely benign (2). Last evaluated 2018-06-14.

Allele frequency attached by ClinVar (database versions not stated): 1000 Genomes Project 30x 0.02514; gnomAD 0.02871; 1000 Genomes Project 0.02456; TOPMed 0.02777.
gnomAD v4.1: 11,210 of 368,768 alleles (3%); highest among the groups gnomAD compares: Middle Eastern, 5.1%; 210 homozygotes.

Submissions (2):

GeneDx
Classification: Likely benign. Last evaluated: 2018-06-14. Review status: criteria provided, single submitter. Criteria: GeneDx Variant Classification (06012015). Collection method: clinical testing. Allele origin: germline. Affected: yes.
Comment: This variant is considered likely benign or benign based on one or more of the following criteria: it is a conservative change, it occurs at a poorly conserved position in the protein, it is predicted to be benign by multiple in silico algorithms, and/or has population frequency not consistent with disease.

Breakthrough Genomics
Classification: Likely benign. Review status: criteria provided, single submitter. Criteria: ACMG Guidelines, 2015. Collection method: not provided. Allele origin: germline. Inheritance: Autosomal recessive inheritance. Affected: yes.

NM_145691.4(ATPAF2):c.732+301C>A

Gene: ATPAF2 (ATP synthase mitochondrial F1 complex assembly factor 2; minus strand). Cytogenetic location: 17p11.2.
Variant type: single nucleotide variant.
Coding change: c.732+301C>A on transcript NM_145691.4 (MANE Select); 301 bases into the intron after coding-DNA position 732, C replaced by A.
Molecular consequence: intron variant.
Genome position (GRCh38, 1-based): chr17:18,020,822, G>T on the plus strand (C>A on the coding strand, the complement: ATPAF2 is on the minus strand). VCF-style: chr17-18020822-G-T. GRCh37 (hg19) VCF-style: chr17-17924136-G-T.
Identifiers: ClinVar variation 669690 (VCV000669690.2), dbSNP rs77426647, ClinGen allele CA14446475.